The following is an entry in ClinVar:

ClinVar aggregate classification (germline): Uncertain significance (1 of 4 stars; one submission).

Conditions:
Hyperphosphatasia with intellectual disability syndrome 5 (GPIBD11). Also called: GLYCOSYLPHOSPHATIDYLINOSITOL BIOSYNTHESIS DEFECT 11. Identifiers: Orphanet 247262, MedGen C4014958, MONDO:0014457, OMIM 616025.

Submission:

Labcorp Genetics (formerly Invitae), Labcorp
Classification: Uncertain significance for Hyperphosphatasia with intellectual disability syndrome 5. Last evaluated: 2021-01-31. Review status: criteria provided, single submitter. Criteria: Invitae Variant Classification Sherloc (09022015). Collection method: clinical testing. Allele origin: germline.
Comment: This variant has not been reported in the literature in individuals with PIGW-related conditions. This variant, c.918_920del, results in the deletion of 1 amino acid(s) of the PIGW protein (p.Ile307del), but otherwise preserves the integrity of the reading frame. This variant is not present in population databases (ExAC no frequency). Experimental studies and prediction algorithms are not available or were not evaluated, and the functional significance of this variant is currently unknown. In summary, the available evidence is currently insufficient to determine the role of this variant in disease. Therefore, it has been classified as a Variant of Uncertain Significance.

NM_001346754.2(PIGW):c.915AAT[1] (p.Ile307del)

Genes: MYO19 (myosin XIX; minus strand), PIGW (phosphatidylinositol glycan anchor biosynthesis class W; plus strand). Cytogenetic location: 17q12.
Variant type: Microsatellite.
Coding change: c.915AAT[1] on transcript NM_001346754.2 (MANE Select); one copy of the 3-base unit AAT starting at c.915; the reference has two copies in a row; one copy, 3 bases deleted.
Protein change: p.Ile307del; deletes isoleucine 307.
Molecular consequence: inframe deletion.
Genome position (GRCh38, 1-based): chr17:36,538,019-36,538,021, AAT deleted; deleting any 3 consecutive bases within chr17:36,538,016-36,538,021 gives the same sequence; the position shown is the placement nearest the transcript's 3' end. VCF-style (leftmost placement, unchanged base first): chr17-36538015-GAAT-G. GRCh37 (hg19) VCF-style: chr17-34893864-GAAT-G.
Other names: c.915AAT[1], p.Ile307del (NM_001346755.2, NM_178517.5); short protein forms I307del.
Identifiers: ClinVar variation 1467303 (VCV001467303.8), dbSNP rs2142619101, ClinGen allele CA2580613118.